The following is an entry in ClinVar:

NM_001291867.2(NHS):c.3730T>C (p.Ser1244Pro)

Gene: NHS (NHS actin remodeling regulator; plus strand). Cytogenetic location: Xp22.13.
Variant type: single nucleotide variant.
Coding change: c.3730T>C on transcript NM_001291867.2 (MANE Select); coding-DNA position 3730, T replaced by C.
Protein change: p.Ser1244Pro; replaces serine 1244 with proline.
Molecular consequence: missense variant.
Genome position (GRCh38, 1-based): chrX:17,727,836, T>C. VCF-style: chrX-17727836-T-C. GRCh37 (hg19) VCF-style: chrX-17745956-T-C.
Other names: c.3199T>C, p.Ser1067Pro (NM_001136024.4); c.3136T>C, p.Ser1046Pro (NM_001291868.2); c.3667T>C, p.Ser1223Pro (NM_198270.4); short protein forms S1046P, S1067P, S1223P, S1244P.
Identifiers: ClinVar variation 1309597 (VCV001309597.2), dbSNP rs2147144776, ClinGen allele CA412365818.

ClinVar aggregate classification (germline): Uncertain significance (1 of 4 stars; one submission).

Submission:

GeneDx
Classification: Uncertain significance. Last evaluated: 2020-01-15. Review status: criteria provided, single submitter. Criteria: GeneDx Variant Classification Process June 2021. Collection method: clinical testing. Allele origin: germline. Affected: yes.
Comment: Not observed in large population cohorts (Lek et al., 2016); In silico analysis, which includes protein predictors and evolutionary conservation, supports that this variant does not alter protein structure/function; Has not been previously published as pathogenic or benign to our knowledge